The following is an entry in ClinVar:

NM_001134831.2(AHI1):c.1981T>C (p.Ser661Pro)

Gene: AHI1 (Abelson helper integration site 1; minus strand). Cytogenetic location: 6q23.3.
Variant type: single nucleotide variant.
Coding change: c.1981T>C on transcript NM_001134831.2 (MANE Select); coding-DNA position 1981, T replaced by C.
Protein change: p.Ser661Pro; replaces serine 661 with proline.
Molecular consequence: missense variant.
Genome position (GRCh38, 1-based): chr6:135,438,430, A>G on the plus strand (T>C on the coding strand, the complement: AHI1 is on the minus strand). VCF-style: chr6-135438430-A-G. GRCh37 (hg19) VCF-style: chr6-135759568-A-G.
Other names: c.1981T>C (NM_017651.4); c.1981T>C, p.Ser661Pro (NM_001134830.2, NM_001134832.2, NM_001350503.2 and 2 more transcripts); short protein forms S661P.
Identifiers: ClinVar variation 1459367 (VCV001459367.9), dbSNP rs1785745572, ClinGen allele CA365744245.

ClinVar aggregate classification (germline): Pathogenic/Likely pathogenic. Review status: criteria provided, multiple submitters, no conflicts (2 of 4 stars). 3 submissions from 3 submitters: Pathogenic (1); Likely pathogenic (2). Last evaluated 2024-03-17.

Conditions:
Joubert syndrome. Also called: CEREBELLOPARENCHYMAL DISORDER IV; JOUBERT-BOLTSHAUSER SYNDROME; Familial aplasia of the vermis. Identifiers: Orphanet 475, MedGen C5979921, MONDO:0018772.
Joubert syndrome 3 (JBTS3). Also called: AHI1-related Ciliopathy. Identifiers: Orphanet 220493, MedGen C1837713, MONDO:0012078, OMIM 608629.

Allele frequency attached by ClinVar (database versions not stated): gnomAD exomes below 0.00001; gnomAD 0.00001.
gnomAD v4.1: 6 of 1,565,118 alleles (0.00038%); highest among the groups gnomAD compares: Non-Finnish European, 0.00052%; no homozygotes.

Submissions (3):

Genomic Medicine Center of Excellence, King Faisal Specialist Hospital and Research Centre
Classification: Likely pathogenic for Joubert syndrome 3. Last evaluated: 2024-03-17. Review status: criteria provided, single submitter. Criteria: ACMG Guidelines, 2015. Collection method: research. Allele origin: germline.

Fulgent Genetics
Classification: Likely pathogenic for Joubert syndrome 3. Last evaluated: 2024-02-03. Review status: criteria provided, single submitter. Criteria: ACMG Guidelines, 2015. Collection method: clinical testing. Allele origin: germline.

Labcorp Genetics (formerly Invitae), Labcorp
Classification: Pathogenic for Joubert syndrome. Last evaluated: 2023-10-04. Review status: criteria provided, single submitter. Criteria: Invitae Variant Classification Sherloc (09022015). Collection method: clinical testing. Allele origin: germline.
Comment: This sequence change replaces serine, which is neutral and polar, with proline, which is neutral and non-polar, at codon 661 of the AHI1 protein (p.Ser661Pro). This variant is not present in population databases (gnomAD no frequency). This missense change has been observed in individual(s) with clinical features of Joubert syndrome (PMID: 26759440; Invitae). ClinVar contains an entry for this variant (Variation ID: 1459367). Advanced modeling of protein sequence and biophysical properties (such as structural, functional, and spatial information, amino acid conservation, physicochemical variation, residue mobility, and thermodynamic stability) has been performed at Invitae for this missense variant, however the output from this modeling did not meet the statistical confidence thresholds required to predict the impact of this variant on AHI1 protein function. For these reasons, this variant has been classified as Pathogenic.

Literature cited by the submitters: PubMed 26759440 (cited by Labcorp Genetics (formerly Invitae), Labcorp).